The following is an entry in ClinVar:

NM_000046.5(ARSB):c.241C>T (p.Leu81Phe)

Genes: ARSB (arylsulfatase B; minus strand), LOC129994126 (ATAC-STARR-seq lymphoblastoid silent region 16127; plus strand). Cytogenetic location: 5q14.1.
Variant type: single nucleotide variant.
Coding change: c.241C>T on transcript NM_000046.5 (MANE Select); coding-DNA position 241, C replaced by T.
Protein change: p.Leu81Phe; replaces leucine 81 with phenylalanine.
Molecular consequence: missense variant.
Genome position (GRCh38, 1-based): chr5:78,985,008, G>A on the plus strand (C>T on the coding strand, the complement: ARSB is on the minus strand). VCF-style: chr5-78985008-G-A. GRCh37 (hg19) VCF-style: chr5-78280831-G-A.
Other names: c.241C>T, p.Leu81Phe (NM_198709.3); short protein forms L81F.
Identifiers: ClinVar variation 1925046 (VCV001925046.5), dbSNP rs755284592, ClinGen allele CA360196612.

ClinVar aggregate classification (germline): Uncertain significance (1 of 4 stars; one submission).

Conditions:
Mucopolysaccharidosis type 6 (MPS6). Also called: MPS VI; N-ACETYLGALACTOSAMINE-4-SULFATASE DEFICIENCY; MPS 6; Maroteaux Lamy syndrome; ARSB DEFICIENCY; ARYLSULFATASE B DEFICIENCY. Identifiers: Orphanet 583, MedGen C0026709, MONDO:0009661, OMIM 253200.

gnomAD v4.1: 1 of 1,538,328 alleles (0.000065%); no homozygotes.

Submission:

Labcorp Genetics (formerly Invitae), Labcorp
Classification: Uncertain significance for Mucopolysaccharidosis type 6. Last evaluated: 2022-08-09. Review status: criteria provided, single submitter. Criteria: Invitae Variant Classification Sherloc (09022015). Collection method: clinical testing. Allele origin: germline.
Comment: Advanced modeling of protein sequence and biophysical properties (such as structural, functional, and spatial information, amino acid conservation, physicochemical variation, residue mobility, and thermodynamic stability) performed at Invitae indicates that this missense variant is expected to disrupt ARSB protein function. This variant has not been reported in the literature in individuals affected with ARSB-related conditions. This variant is not present in population databases (gnomAD no frequency). This sequence change replaces leucine, which is neutral and non-polar, with phenylalanine, which is neutral and non-polar, at codon 81 of the ARSB protein (p.Leu81Phe). In summary, the available evidence is currently insufficient to determine the role of this variant in disease. Therefore, it has been classified as a Variant of Uncertain Significance.